The following is an entry in ClinVar:

ClinVar aggregate classification (germline): Benign/Likely benign. Review status: criteria provided, multiple submitters, no conflicts (2 of 4 stars). 4 submissions from 4 submitters: Benign (2); Likely benign (2). Last evaluated 2025-12-22.

Conditions:
Axenfeld-Rieger syndrome type 3 (RIEG3). Also called: AXENFELD-RIEGER ANOMALY WITH CARDIAC DEFECTS AND/OR SENSORINEURAL HEARING LOSS. Identifiers: Orphanet 782, MedGen C2678503, MONDO:0011233, OMIM 602482.

Allele frequency attached by ClinVar (database versions not stated): 1000 Genomes Project 30x 0.00016; TOPMed 0.00097; gnomAD 0.00102 and 0.00105; ESP Exome Variant Server 0.00134; gnomAD exomes 0.00184; ExAC 0.00583.
gnomAD v4.1: 2,201 of 1,443,244 alleles (0.15%); highest among the groups gnomAD compares: South Asian, 0.34%; 5 homozygotes.

Submissions (4):

Labcorp Genetics (formerly Invitae), Labcorp
Classification: Benign for Axenfeld-Rieger syndrome type 3. Last evaluated: 2025-12-22. Review status: criteria provided, single submitter. Criteria: Invitae Variant Classification Sherloc (09022015). Collection method: clinical testing. Allele origin: germline.

CeGaT Center for Human Genetics Tuebingen
Classification: Likely benign. Last evaluated: 2025-05-01. Review status: criteria provided, single submitter. Criteria: CeGaT Center For Human Genetics Tuebingen Variant Classification Criteria Version 2. Collection method: clinical testing. Allele origin: germline. Affected: yes. Observed: 2 variant alleles.
Comment: FOXC1: BP4, BP7

Blueprint Genetics
Classification: Likely benign. Last evaluated: 2024-11-25. Review status: criteria provided, single submitter. Criteria: ACMG Guidelines, 2015. Collection method: clinical testing. Allele origin: germline.

Eurofins Ntd Llc (ga)
Classification: Benign. Last evaluated: 2015-01-05. Review status: criteria provided, single submitter. Criteria: EGL Classification Definitions 2015. Collection method: clinical testing. Allele origin: germline. Observed: 1 variant allele, 1 heterozygote.

NM_001453.3(FOXC1):c.921C>T (p.Gly307=)

Gene: FOXC1 (forkhead box C1; plus strand). Cytogenetic location: 6p25.3.
Variant type: single nucleotide variant.
Coding change: c.921C>T on transcript NM_001453.3 (MANE Select); coding-DNA position 921, C replaced by T.
Protein change: p.Gly307=; no amino-acid change (glycine 307 retained).
Molecular consequence: synonymous variant.
Genome position (GRCh38, 1-based): chr6:1,611,366, C>T. VCF-style: chr6-1611366-C-T. GRCh37 (hg19) VCF-style: chr6-1611601-C-T.
Identifiers: ClinVar variation 193207 (VCV000193207.36), dbSNP rs369300819, ClinGen allele CA200403.